The following is an entry in ClinVar:

NM_000080.4(CHRNE):c.989A>G (p.Gln330Arg)

Gene: CHRNE (cholinergic receptor nicotinic epsilon subunit; minus strand). Cytogenetic location: 17p13.2.
Variant type: single nucleotide variant.
Coding change: c.989A>G on transcript NM_000080.4 (MANE Select); coding-DNA position 989, A replaced by G.
Protein change: p.Gln330Arg; replaces glutamine 330 with arginine.
Molecular consequence: missense variant.
Genome position (GRCh38, 1-based): chr17:4,899,511, T>C on the plus strand (A>G on the coding strand, the complement: CHRNE is on the minus strand). VCF-style: chr17-4899511-T-C. GRCh37 (hg19) VCF-style: chr17-4802806-T-C.
Other names: c.989A>G, p.Gln330Arg (LRG_1254t1); short protein forms Q330R.
Identifiers: ClinVar variation 580087 (VCV000580087.7), dbSNP rs747017964, ClinGen allele CA8314088.

ClinVar aggregate classification (germline): Uncertain significance. Review status: criteria provided, multiple submitters, no conflicts (2 of 4 stars). 3 submissions from 3 submitters: Uncertain significance (2). 1 of the submissions does not count toward it. Last evaluated 2025-02-20.

Conditions:
Inborn genetic diseases. Identifiers: MedGen C0950123, MeSH D030342.
Congenital myasthenic syndrome 4A. Also called: Myasthenic syndrome, congenital, 4a, slow-channel; CONGENITAL MYASTHENIC SYNDROME TYPE Ia1; MYASTHENIC SYNDROME, CONGENITAL, 4A, SLOW-CHANNEL, AUTOSOMAL RECESSIVE. Identifiers: Orphanet 590, MedGen C4225413, MONDO:0011600, OMIM 605809.
Congenital myasthenic syndrome (CMS). Also called: Congenital Myasthenic Syndromes. Identifiers: Orphanet 590, MedGen C0751882, MeSH D020294, MONDO:0018940.

Allele frequency attached by ClinVar (database versions not stated): ExAC 0.00002; gnomAD 0.00002; TOPMed 0.00002; gnomAD exomes 0.00003 and 0.00005.
gnomAD v4.1: 39 of 1,603,944 alleles (0.0024%); highest among the groups gnomAD compares: Admixed American, 0.022%; no homozygotes.

Submissions (3):

Labcorp Genetics (formerly Invitae), Labcorp
Classification: Uncertain significance for Congenital myasthenic syndrome 4A. Last evaluated: 2025-02-20. Review status: criteria provided, single submitter. Criteria: Invitae Variant Classification Sherloc (09022015). Collection method: clinical testing. Allele origin: germline.
Comment: This sequence change replaces glutamine, which is neutral and polar, with arginine, which is basic and polar, at codon 330 of the CHRNE protein (p.Gln330Arg). This variant is present in population databases (rs747017964, gnomAD 0.03%). This variant has not been reported in the literature in individuals affected with CHRNE-related conditions. ClinVar contains an entry for this variant (Variation ID: 580087). Invitae Evidence Modeling of protein sequence and biophysical properties (such as structural, functional, and spatial information, amino acid conservation, physicochemical variation, residue mobility, and thermodynamic stability) indicates that this missense variant is not expected to disrupt CHRNE protein function with a negative predictive value of 95%. In summary, the available evidence is currently insufficient to determine the role of this variant in disease. Therefore, it has been classified as a Variant of Uncertain Significance.

Ambry Genetics
Classification: Uncertain significance for Inborn genetic diseases. Last evaluated: 2021-12-03. Review status: criteria provided, single submitter. Criteria: Ambry Variant Classification Scheme 2023. Collection method: clinical testing. Allele origin: germline.

Natera, Inc.
Classification: Uncertain significance for Congenital myasthenic syndrome. Last evaluated: 2019-10-28. Review status: no assertion criteria provided. Collection method: clinical testing. Allele origin: germline. Not counted in ClinVar's aggregate classification.